The following is an entry in ClinVar:

ClinVar aggregate classification (germline): Pathogenic. Review status: reviewed by expert panel (3 of 4 stars). 2 submissions from 2 submitters: Pathogenic (1). 1 of the submissions does not count toward it. Last evaluated 2016-10-18.

Conditions:
Breast-ovarian cancer, familial, susceptibility to, 1 (BROVCA1). Also called: BRCA1 Hereditary Breast and Ovarian Cancer; OVARIAN CANCER, SUSCEPTIBILITY TO. Identifiers: Orphanet 145, MedGen C2676676, MONDO:0011450, OMIM 604370. Disease mechanism: loss of function.

Submissions (2):

Evidence-based Network for the Interpretation of Germline Mutant Alleles (ENIGMA)
Classification: Pathogenic for Breast-ovarian cancer, familial, susceptibility to, 1. Last evaluated: 2016-10-18. Review status: reviewed by expert panel. Criteria: ENIGMA BRCA1/2 Classification Criteria (2015). Collection method: curation. Allele origin: germline.
Comment: Variant allele predicted to encode a truncated non-functional protein.

Consortium of Investigators of Modifiers of BRCA1/2 (CIMBA), c/o University of Cambridge
Classification: Pathogenic for Breast-ovarian cancer, familial, susceptibility to, 1. Last evaluated: 2015-10-02. Review status: criteria provided, single submitter. Criteria: CIMBA Mutation Classification guidelines May 2016. Collection method: clinical testing. Allele origin: germline. Not counted in ClinVar's aggregate classification.

NM_007294.4(BRCA1):c.1210_1211insCT (p.Glu404fs)

Gene: BRCA1 (BRCA1 DNA repair associated; minus strand). Cytogenetic location: 17q21.31.
Variant type: Insertion.
Coding change: c.1210_1211insCT on transcript NM_007294.4 (MANE Select); coding-DNA positions 1210 to 1211, CT inserted.
Protein change: p.Glu404fs; shifts the reading frame from glutamic acid 404.
Molecular consequence: frameshift variant. On other transcripts: intron variant (137).
Genome position: GRCh38 VCF-style: chr17-43094320-T-TAG. GRCh37 (hg19) VCF-style: chr17-41246337-T-TAG.
Other names: 1329insCT; c.1210_1211insCT, p.Glu404fs (NM_001407622.1, NM_001407623.1, NM_001407624.1 and 30 more transcripts); c.1207_1208insCT, p.Glu403fs (NM_001407627.1, NM_001407628.1, NM_001407629.1 and 22 more transcripts); c.1201_1202insCT, p.Glu401fs (NM_001407646.1, NM_001407647.1); c.1087_1088insCT, p.Glu363fs (NM_001407648.1, NM_001407664.1, NM_001407665.1 and 19 more transcripts); c.1084_1085insCT, p.Glu362fs (NM_001407649.1, NM_001407670.1, NM_001407671.1 and 11 more transcripts); c.1132_1133insCT, p.Glu378fs (NM_001407653.1, NM_001407654.1, NM_001407655.1 and 4 more transcripts); c.1129_1130insCT, p.Glu377fs (NM_001407659.1, NM_001407660.1, NM_001407661.1 and 1 more transcripts); and 41 more; short protein forms E357fs, E404fs, E292fs, E293fs, E315fs, E337fs, E362fs, E377fs.
Identifiers: ClinVar variation 266145 (VCV000266145.6), dbSNP rs886039934, ClinGen allele CA10589959.
Genomic context (GRCh38, chr17:43,094,320, plus strand): 5'-CCAGAATATTCATCTACCTCATTTAGAACGTCCAATACATCAGCTACTTTGGCATTTGAT[T>TAG]CAGACTCCCCATCATGTGAGTCATCAGAACCTAACAGTTCATCACTTCTGGAAAACCACT-3'